The following is an entry in ClinVar:

NM_004341.5(CAD):c.3149dup (p.Phe1051fs)

Gene: CAD (carbamoyl-phosphate synthetase 2, aspartate transcarbamylase, and dihydroorotase; plus strand). Cytogenetic location: 2p23.3.
Variant type: Duplication.
Coding change: c.3149dup on transcript NM_004341.5 (MANE Select); coding-DNA position 3149, one base duplicated (A; older notation c.3149dupA).
Protein change: p.Phe1051fs; shifts the reading frame from phenylalanine 1051.
Molecular consequence: frameshift variant.
Genome position (GRCh38, 1-based): chr2:27,233,469, A duplicated; the last of 2 consecutive A bases (chr2:27,233,468-27,233,469); duplicating either gives the same sequence. VCF-style (leftmost placement, unchanged base first): chr2-27233467-C-CA. GRCh37 (hg19) VCF-style: chr2-27456335-C-CA.
Other names: c.2960dup, p.Phe988fs (NM_001306079.2); short protein forms F1051fs, F988fs.
Identifiers: ClinVar variation 4722291 (VCV004722291.1).

ClinVar aggregate classification (germline): Pathogenic (1 of 4 stars; one submission).

Submission:

Labcorp Genetics (formerly Invitae), Labcorp
Classification: Pathogenic. Last evaluated: 2025-06-29. Review status: criteria provided, single submitter. Criteria: Invitae Variant Classification Sherloc (09022015). Collection method: clinical testing. Allele origin: germline.
Comment: This sequence change creates a premature translational stop signal (p.Phe1051Valfs*6) in the CAD gene. It is expected to result in an absent or disrupted protein product. Loss-of-function variants in CAD are known to be pathogenic (PMID: 28007989, 32117025, 32820246, 33497533). This variant is not present in population databases (gnomAD no frequency). This variant has not been reported in the literature in individuals affected with CAD-related conditions. Algorithms developed to predict the effect of sequence changes on RNA splicing suggest that this variant may disrupt the consensus splice site. For these reasons, this variant has been classified as Pathogenic.

Literature cited by the submitters: PubMed 28007989; PubMed 32117025; PubMed 32820246; PubMed 33497533.